The following is an entry in ClinVar:

NM_199420.4(POLQ):c.5423T>C (p.Leu1808Ser)

Gene: POLQ (DNA polymerase theta; minus strand). Cytogenetic location: 3q13.33.
Variant type: single nucleotide variant.
Coding change: c.5423T>C on transcript NM_199420.4 (MANE Select); coding-DNA position 5423, T replaced by C.
Protein change: p.Leu1808Ser; replaces leucine 1808 with serine.
Molecular consequence: missense variant.
Genome position (GRCh38, 1-based): chr3:121,487,508, A>G on the plus strand (T>C on the coding strand, the complement: POLQ is on the minus strand). VCF-style: chr3-121487508-A-G. GRCh37 (hg19) VCF-style: chr3-121206355-A-G.
Other names: short protein forms L1808S.
Identifiers: ClinVar variation 1747455 (VCV001747455.2), dbSNP rs2546784753, ClinGen allele CA354090220.

ClinVar aggregate classification (germline): Uncertain significance (1 of 4 stars; one submission).

Allele frequency attached by ClinVar (database versions not stated): gnomAD exomes below 0.00001.
gnomAD v4.1: 1 of 1,614,128 alleles (0.000062%); highest among the groups gnomAD compares: Non-Finnish European, 0.000085%; no homozygotes.

Submission:

Ambry Genetics
Classification: Uncertain significance. Last evaluated: 2021-09-16. Review status: criteria provided, single submitter. Criteria: Ambry Variant Classification Scheme 2023. Collection method: clinical testing. Allele origin: germline.
Comment: The p.L1808S variant (also known as c.5423T>C), located in coding exon 16 of the POLQ gene, results from a T to C substitution at nucleotide position 5423. The leucine at codon 1808 is replaced by serine, an amino acid with dissimilar properties. This amino acid position is conserved. In addition, this alteration is predicted to be tolerated by in silico analysis. Since supporting evidence is limited at this time, the clinical significance of this alteration remains unclear.